The following is an entry in ClinVar:

NM_001080517.3(SETD5):c.1745G>A (p.Ser582Asn)

Gene: SETD5 (SET domain containing 5; plus strand). Cytogenetic location: 3p25.3.
Variant type: single nucleotide variant.
Coding change: c.1745G>A on transcript NM_001080517.3 (MANE Select); coding-DNA position 1745, G replaced by A.
Protein change: p.Ser582Asn; replaces serine 582 with asparagine.
Molecular consequence: missense variant.
Genome position (GRCh38, 1-based): chr3:9,447,270, G>A. VCF-style: chr3-9447270-G-A. GRCh37 (hg19) VCF-style: chr3-9488954-G-A.
Other names: c.1451G>A, p.Ser484Asn (NM_001292043.2, NM_001349451.2); short protein forms S484N, S582N.
Identifiers: ClinVar variation 3344506 (VCV003344506.1).

ClinVar aggregate classification (germline): Uncertain significance (0 of 4 stars; one submission).

Conditions:
SETD5-related disorder. Also called: SETD5-related disorders; SETD5-related condition.

gnomAD v4.1: 1 of 1,614,020 alleles (0.000062%); highest among the groups gnomAD compares: South Asian, 0.0011%; no homozygotes.

Submission:

PreventionGenetics, part of Exact Sciences
Classification: Uncertain significance for SETD5-related condition. Last evaluated: 2024-07-09. Review status: no assertion criteria provided. Collection method: clinical testing. Allele origin: germline.
Comment: The SETD5 c.1745G>A variant is predicted to result in the amino acid substitution p.Ser582Asn. To our knowledge, this variant has not been reported in the literature or in a large population database, indicating this variant is rare. At this time, the clinical significance of this variant is uncertain due to the absence of conclusive functional and genetic evidence.